The following is an entry in ClinVar:

NM_003000.3(SDHB):c.544G>T (p.Gly182Trp)

Gene: SDHB (succinate dehydrogenase complex iron sulfur subunit B; minus strand). Cytogenetic location: 1p36.13.
Variant type: single nucleotide variant.
Coding change: c.544G>T on transcript NM_003000.3 (MANE Select); coding-DNA position 544, G replaced by T.
Protein change: p.Gly182Trp; replaces glycine 182 with tryptophan.
Molecular consequence: missense variant.
Genome position (GRCh38, 1-based): chr1:17,024,071, C>A on the plus strand (G>T on the coding strand, the complement: SDHB is on the minus strand). VCF-style: chr1-17024071-C-A. GRCh37 (hg19) VCF-style: chr1-17350566-C-A.
Other names: short protein forms G182W.
Identifiers: ClinVar variation 661088 (VCV000661088.10), dbSNP rs201928318, ClinGen allele CA338271459.

ClinVar aggregate classification (germline): Uncertain significance. Review status: criteria provided, multiple submitters, no conflicts (2 of 4 stars). 2 submissions from 2 submitters: Uncertain significance (2). Last evaluated 2026-04-03.

Conditions:
Pheochromocytoma/paraganglioma syndrome 4. Also called: SDHB-Related Hereditary Paraganglioma-Pheochromocytoma Syndrome (Paragangliomas 4); SDHB-Related Hereditary Paraganglioma-Pheochromocytoma Syndrome; CAROTID BODY TUMORS AND MULTIPLE EXTRAADRENAL PHEOCHROMOCYTOMAS; PARAGANGLIOMA, FAMILIAL MALIGNANT; PARAGANGLIOMAS, HEREDITARY EXTRAADRENAL; PHEOCHROMOCYTOMA, FAMILIAL EXTRAADRENAL. Identifiers: Orphanet 29072, MedGen C1861848, MONDO:0007273, OMIM 115310.
Pheochromocytoma. Also called: MAX-Related Hereditary Paraganglioma-Pheochromocytoma Syndrome. Identifiers: Orphanet 29072, MedGen C0031511, MONDO:0008233, OMIM 171300, HP:0002666.
Gastrointestinal stromal tumor. Also called: Gastrointestinal stromal tumor, somatic; Gastrointestinal stroma tumor. Identifiers: Orphanet 44890, MedGen C0238198, MeSH D046152, MONDO:0011719, OMIM 606764, HP:0100723.
Hereditary cancer-predisposing syndrome. Also called: Neoplastic Syndromes, Hereditary; Tumor predisposition; Hereditary Cancer Syndrome; Hereditary neoplastic syndrome. Identifiers: Orphanet 140162, MedGen C0027672, MeSH D009386, MONDO:0015356.

Allele frequency attached by ClinVar (database versions not stated): gnomAD 0.00001.
gnomAD v4.1: 2 of 1,610,980 alleles (0.00012%); highest among the groups gnomAD compares: African/African-American, 0.0013%; no homozygotes.

Submissions (2):

Ambry Genetics
Classification: Uncertain significance for Hereditary cancer-predisposing syndrome. Last evaluated: 2026-04-03. Review status: criteria provided, single submitter. Criteria: Ambry Variant Classification Scheme 2023. Collection method: clinical testing. Allele origin: germline.
Comment: The p.G182W variant (also known as c.544G>T), located in coding exon 6 of the SDHB gene, results from a G to T substitution at nucleotide position 544. The glycine at codon 182 is replaced by tryptophan, an amino acid with highly dissimilar properties. This amino acid position is conserved. In addition, this alteration is predicted to be deleterious by in silico analysis. Based on the available evidence, the clinical significance of this variant remains unclear.

Labcorp Genetics (formerly Invitae), Labcorp
Classification: Uncertain significance for Gastrointestinal stromal tumor; Pheochromocytoma/paraganglioma syndrome 4; Pheochromocytoma. Last evaluated: 2023-04-20. Review status: criteria provided, single submitter. Criteria: Invitae Variant Classification Sherloc (09022015). Collection method: clinical testing. Allele origin: germline.
Comment: This variant has not been reported in the literature in individuals affected with SDHB-related conditions. This variant is not present in population databases (gnomAD no frequency). This sequence change replaces glycine, which is neutral and non-polar, with tryptophan, which is neutral and slightly polar, at codon 182 of the SDHB protein (p.Gly182Trp). ClinVar contains an entry for this variant (Variation ID: 661088). In summary, the available evidence is currently insufficient to determine the role of this variant in disease. Therefore, it has been classified as a Variant of Uncertain Significance. Advanced modeling of protein sequence and biophysical properties (such as structural, functional, and spatial information, amino acid conservation, physicochemical variation, residue mobility, and thermodynamic stability) performed at Invitae indicates that this missense variant is expected to disrupt SDHB protein function.